The following is an entry in ClinVar:

ClinVar aggregate classification (germline): Uncertain significance (1 of 4 stars; one submission).

Submission:

GeneDx
Classification: Uncertain significance. Last evaluated: 2024-02-26. Review status: criteria provided, single submitter. Criteria: GeneDx Variant Classification Process June 2021. Collection method: clinical testing. Allele origin: germline. Affected: yes.
Comment: Not observed at significant frequency in large population cohorts (gnomAD); In silico analysis supports that this missense variant has a deleterious effect on protein structure/function; Has not been previously published as pathogenic or benign to our knowledge

NM_001282116.2(RFX3):c.1879C>G (p.Arg627Gly)

Gene: RFX3 (regulatory factor X3; minus strand). Cytogenetic location: 9p24.2.
Variant type: single nucleotide variant.
Coding change: c.1879C>G on transcript NM_001282116.2 (MANE Select); coding-DNA position 1879, C replaced by G.
Protein change: p.Arg627Gly; replaces arginine 627 with glycine.
Molecular consequence: missense variant.
Genome position (GRCh38, 1-based): chr9:3,248,121, G>C on the plus strand (C>G on the coding strand, the complement: RFX3 is on the minus strand). VCF-style: chr9-3248121-G-C. GRCh37 (hg19) VCF-style: chr9-3248121-G-C.
Other names: c.1879C>G, p.Arg627Gly (NM_001377999.1, NM_002919.4, NM_134428.3); short protein forms R627G.
Identifiers: ClinVar variation 3369884 (VCV003369884.1).
Genomic context (GRCh38, chr9:3,248,121, plus strand): 5'-CTGTTGCCTGAGCAACACGATGTTCTACTAAGTAAAACATATATTCGTCGTAGAGTAGAC[G>C]GATCAGGTGGAAGGAGCCAAAGCTAGCAGCACTGCGTAAGGTTAAGTCCCGAATAACCAT-3'
Protein context (NP_001269045.1, residues 617-637): AASFGSFHLI[Arg627Gly]LLYDEYMFYL